The following is an entry in ClinVar:

NM_003998.4(NFKB1):c.1300+2T>C

Gene: NFKB1 (nuclear factor kappa B subunit 1; plus strand). Cytogenetic location: 4q24.
Variant type: single nucleotide variant.
Coding change: c.1300+2T>C on transcript NM_003998.4 (MANE Select); the canonical splice donor site of the intron after coding-DNA position 1300, T replaced by C.
Molecular consequence: splice donor variant.
Genome position (GRCh38, 1-based): chr4:102,594,983, T>C. VCF-style: chr4-102594983-T-C. GRCh37 (hg19) VCF-style: chr4-103516140-T-C.
Other names: NP_003989.2:p.?; c.1300+2T>C (NM_001382626.1, NM_001382625.1); c.1297+2T>C (NM_001382627.1, NM_001165412.2, NM_001319226.2); c.1258+2T>C (NM_001382628.1).
Identifiers: ClinVar variation 3393348 (VCV003393348.2).

ClinVar aggregate classification (germline): Likely pathogenic (1 of 4 stars; one submission).

Conditions:
Immunodeficiency, common variable, 12 (CVID12). Also called: IMMUNODEFICIENCY, COMMON VARIABLE, 12, WITH AUTOIMMUNITY; NFKB1 DEFICIENCY. Identifiers: Orphanet 1572, Orphanet 696874, MedGen C4225277, MONDO:0014697, OMIM 616576.

gnomAD v4.1: 1 of 1,590,806 alleles (0.000063%); highest among the groups gnomAD compares: Non-Finnish European, 0.000086%; no homozygotes.

Submission:

Paediatric Laboratory, Institute for Maternal and Child Health - IRCCS Burlo Garofolo
Classification: Likely pathogenic for Immunodeficiency, common variable, 12. Last evaluated: 2024-12-02. Review status: criteria provided, single submitter. Criteria: ACMG Guidelines, 2015. Collection method: clinical testing. Allele origin: germline.
Comment: The NM_003998.4:c.1300+2T>C variant disrupts a canonical splice site, strongly suggesting a loss-of-function effect. Loss-of-function is a well-established pathogenic mechanism for the NFKB1 gene (PMID:28115215; PMID:32278790) [PVS1]. Furthermore, this variant is identified in only one individual in the gnomAD v4.1.0 population database. Given the incomplete penetrance observed in NFKB1 variants, the presence of this variant in a single individual provides moderate evidence supporting its pathogenicity [PM2].